The following is an entry in ClinVar:

NM_005876.5(SPEG):c.8695C>T (p.Pro2899Ser)

Genes: ASIC4-AS1 (ASIC4 antisense RNA 1; minus strand), SPEG (striated muscle enriched protein kinase; plus strand). Cytogenetic location: 2q35.
Variant type: single nucleotide variant.
Coding change: c.8695C>T on transcript NM_005876.5 (MANE Select); coding-DNA position 8695, C replaced by T.
Protein change: p.Pro2899Ser; replaces proline 2899 with serine.
Molecular consequence: missense variant.
Genome position (GRCh38, 1-based): chr2:219,489,713, C>T. VCF-style: chr2-219489713-C-T. GRCh37 (hg19) VCF-style: chr2-220354435-C-T.
Other names: p.Pro2899Ser; short protein forms P2899S.
Identifiers: ClinVar variation 783359 (VCV000783359.12), dbSNP rs79502506, ClinGen allele CA2127549.

ClinVar aggregate classification (germline): Benign. Review status: criteria provided, multiple submitters, no conflicts (2 of 4 stars). 3 submissions from 3 submitters: Benign (3). Last evaluated 2026-02-01.

Allele frequency attached by ClinVar (database versions not stated): gnomAD exomes 0.00226; ExAC 0.00266; gnomAD 0.00883 and 0.00940; TOPMed 0.00976; ESP Exome Variant Server 0.01022; 1000 Genomes Project 0.01038; 1000 Genomes Project 30x 0.01062.
gnomAD v4.1: 2,755 of 1,614,086 alleles (0.17%); highest among the groups gnomAD compares: African/African-American, 3.1%; 44 homozygotes.

Submissions (3):

Labcorp Genetics (formerly Invitae), Labcorp
Classification: Benign. Last evaluated: 2026-02-01. Review status: criteria provided, single submitter. Criteria: Invitae Variant Classification Sherloc (09022015). Collection method: clinical testing. Allele origin: germline.

Mayo Clinic Laboratories, Mayo Clinic
Classification: Benign. Last evaluated: 2022-02-25. Review status: criteria provided, single submitter. Criteria: ACMG Guidelines, 2015. Collection method: clinical testing. Allele origin: germline. Observed: 4 variant alleles.
Comment: BS1, BS2, BP4

Breakthrough Genomics
Classification: Benign. Review status: criteria provided, single submitter. Criteria: ACMG Guidelines, 2015. Collection method: not provided. Allele origin: germline. Inheritance: Autosomal recessive inheritance. Affected: yes.